The following is an entry in ClinVar:

NM_014974.3(DIP2C):c.2043T>G (p.His681Gln)

Gene: DIP2C (DIP2 acetate--CoA ligase C (putative); minus strand). Cytogenetic location: 10p15.3.
Variant type: single nucleotide variant.
Coding change: c.2043T>G on transcript NM_014974.3 (MANE Select); coding-DNA position 2043, T replaced by G.
Protein change: p.His681Gln; replaces histidine 681 with glutamine.
Molecular consequence: missense variant.
Genome position (GRCh38, 1-based): chr10:369,582, A>C on the plus strand (T>G on the coding strand, the complement: DIP2C is on the minus strand). VCF-style: chr10-369582-A-C. GRCh37 (hg19) VCF-style: chr10-415522-A-C.
Other names: short protein forms H681Q.
Identifiers: ClinVar variation 1480312 (VCV001480312.8), dbSNP rs2132783219, ClinGen allele CA375834985.

ClinVar aggregate classification (germline): Uncertain significance (1 of 4 stars; one submission).

Submission:

Labcorp Genetics (formerly Invitae), Labcorp
Classification: Uncertain significance. Last evaluated: 2021-07-20. Review status: criteria provided, single submitter. Criteria: Invitae Variant Classification Sherloc (09022015). Collection method: clinical testing. Allele origin: germline.
Comment: In summary, the available evidence is currently insufficient to determine the role of this variant in disease. Therefore, it has been classified as a Variant of Uncertain Significance. Algorithms developed to predict the effect of sequence changes on RNA splicing suggest that this variant may create or strengthen a splice site. Algorithms developed to predict the effect of missense changes on protein structure and function (SIFT, PolyPhen-2, Align-GVGD) all suggest that this variant is likely to be tolerated. This variant has not been reported in the literature in individuals affected with DIP2C-related conditions. This variant is not present in population databases (ExAC no frequency). This sequence change replaces histidine with glutamine at codon 681 of the DIP2C protein (p.His681Gln). The histidine residue is moderately conserved and there is a small physicochemical difference between histidine and glutamine.